The following is an entry in ClinVar:

ClinVar aggregate classification (germline): Uncertain significance. Review status: criteria provided, multiple submitters, no conflicts (2 of 4 stars). 2 submissions from 2 submitters: Uncertain significance (2). Last evaluated 2025-12-04.

Conditions:
Inborn genetic diseases. Identifiers: MedGen C0950123, MeSH D030342.

Allele frequency attached by ClinVar (database versions not stated): gnomAD exomes below 0.00001; gnomAD 0.00001; TOPMed 0.00002.

Submissions (2):

Ambry Genetics
Classification: Uncertain significance for Inborn genetic diseases. Last evaluated: 2025-12-04. Review status: criteria provided, single submitter. Criteria: Ambry Variant Classification Scheme 2023. Collection method: clinical testing. Allele origin: germline.

Labcorp Genetics (formerly Invitae), Labcorp
Classification: Uncertain significance. Last evaluated: 2024-11-08. Review status: criteria provided, single submitter. Criteria: Invitae Variant Classification Sherloc (09022015). Collection method: clinical testing. Allele origin: germline.
Comment: This sequence change replaces arginine, which is basic and polar, with tryptophan, which is neutral and slightly polar, at codon 541 of the SH3PXD2B protein (p.Arg541Trp). This variant is present in population databases (no rsID available, gnomAD 0.003%). This variant has not been reported in the literature in individuals affected with SH3PXD2B-related conditions. ClinVar contains an entry for this variant (Variation ID: 1357798). An algorithm developed to predict the effect of missense changes on protein structure and function (PolyPhen-2) suggests that this variant is likely to be disruptive. In summary, the available evidence is currently insufficient to determine the role of this variant in disease. Therefore, it has been classified as a Variant of Uncertain Significance.

NM_001017995.3(SH3PXD2B):c.1621C>T (p.Arg541Trp)

Gene: SH3PXD2B (SH3 and PX domains 2B; minus strand). Cytogenetic location: 5q35.1.
Variant type: single nucleotide variant.
Coding change: c.1621C>T on transcript NM_001017995.3 (MANE Select); coding-DNA position 1621, C replaced by T.
Protein change: p.Arg541Trp; replaces arginine 541 with tryptophan.
Molecular consequence: missense variant. On other transcripts: intron variant (1).
Genome position (GRCh38, 1-based): chr5:172,339,484, G>A on the plus strand (C>T on the coding strand, the complement: SH3PXD2B is on the minus strand). VCF-style: chr5-172339484-G-A. GRCh37 (hg19) VCF-style: chr5-171766488-G-A.
Other names: c.1188+6652C>T (NM_001308175.2); c.1621C>T (NM_001017995.2); short protein forms R541W.
Identifiers: ClinVar variation 1357798 (VCV001357798.9), dbSNP rs1378037423, ClinGen allele CA362147495.
Genomic context (GRCh38, chr5:172,339,484, plus strand): 5'-AAATCACGCCCGGAGGCTTGGGAGTGGGGCCCCGGAGCTGCTCCGTCCTCTGCCGCTCCC[G>A]CTCCCGCTCCAGCAGCTCCCCCTCCGACTTGATGATGGATTCTTTCCGCGGAGGGAGGCT-3'
Protein context (NP_001017995.1, residues 531-551): KSEGELLERE[Arg541Trp]ERQRTEQLRG